The following is an entry in ClinVar:

NR_003137.3(RNU4-2):n.37T>C

Genes: RNU4-2 (RNA, U4 small nuclear 2; minus strand), SIRT4 (sirtuin 4; plus strand). Cytogenetic location: 12q24.23.
Variant type: single nucleotide variant.
Molecular consequence: non-coding transcript variant (on NR_003137.3).
Genome position: GRCh38 VCF-style: chr12-120291867-A-G. GRCh37 (hg19) VCF-style: chr12-120729670-A-G.
Identifiers: ClinVar variation 5039800 (VCV005039800.1).

ClinVar aggregate classification (germline): Likely benign (1 of 4 stars; one submission).

Submission:

CeGaT Center for Human Genetics Tuebingen
Classification: Likely benign. Last evaluated: 2026-09-01. Review status: criteria provided, single submitter. Criteria: CeGaT Center For Human Genetics Tuebingen Variant Classification Criteria Version 2. Collection method: clinical testing. Allele origin: germline. Affected: yes. Observed: 2 variant alleles.
Comment: RNU4-2: BS1